The following is an entry in ClinVar:

ClinVar aggregate classification (germline): Benign. Review status: criteria provided, multiple submitters, no conflicts (2 of 4 stars). 2 submissions from 2 submitters: Benign (2). Last evaluated 2016-03-28.

Allele frequency attached by ClinVar (database versions not stated): gnomAD exomes 0.09367 and 0.14098; ESP Exome Variant Server 0.11451; ExAC 0.13466; gnomAD 0.13722 and 0.14017; TOPMed 0.15536; 1000 Genomes Project 30x 0.21627; 1000 Genomes Project 0.21725.
gnomAD v4.1: 158,885 of 1,613,528 alleles (9.8%); highest among the groups gnomAD compares: East Asian, 39%; 12,358 homozygotes.

Submissions (2):

Laboratory for Molecular Medicine, Mass General Brigham Personalized Medicine
Classification: Benign. Last evaluated: 2016-03-28. Review status: criteria provided, single submitter. Criteria: LMM Criteria. Collection method: clinical testing. Allele origin: germline.
Comment: Variant identified in a genome or exome case(s) and assessed due to predicted null impact of the variant or pathogenic assertions in the literature or databases. Disclaimer: This variant has not undergone full assessment. The following are preliminary notes: Frequency

Breakthrough Genomics
Classification: Benign. Review status: criteria provided, single submitter. Criteria: ACMG Guidelines, 2015. Collection method: not provided. Allele origin: germline. Inheritance: Unknown mechanism. Affected: yes.

NM_001323572.2(CCP110):c.366A>G (p.Thr122=)

Gene: CCP110 (centriolar coiled-coil protein 110; plus strand). Cytogenetic location: 16p12.3.
Variant type: single nucleotide variant.
Coding change: c.366A>G on transcript NM_001323572.2 (MANE Select); coding-DNA position 366, A replaced by G.
Protein change: p.Thr122=; no amino-acid change (threonine 122 retained).
Molecular consequence: synonymous variant.
Genome position (GRCh38, 1-based): chr16:19,536,035, A>G. VCF-style: chr16-19536035-A-G. GRCh37 (hg19) VCF-style: chr16-19547357-A-G.
Other names: c.366A>G, p.Thr122= (NM_001199022.3, NM_001323569.2, NM_001323570.2 and 4 more transcripts).
Identifiers: ClinVar variation 402510 (VCV000402510.5), dbSNP rs10492785, ClinGen allele CA7935289.